The following is an entry in ClinVar:

NM_052867.4(NALCN):c.2045C>T (p.Pro682Leu)

Gene: NALCN (sodium leak channel, non-selective; minus strand). Cytogenetic location: 13q33.1.
Variant type: single nucleotide variant.
Coding change: c.2045C>T on transcript NM_052867.4 (MANE Select); coding-DNA position 2045, C replaced by T.
Protein change: p.Pro682Leu; replaces proline 682 with leucine.
Molecular consequence: missense variant.
Genome position (GRCh38, 1-based): chr13:101,143,153, G>A on the plus strand (C>T on the coding strand, the complement: NALCN is on the minus strand). VCF-style: chr13-101143153-G-A. GRCh37 (hg19) VCF-style: chr13-101795504-G-A.
Other names: c.2045C>T, p.Pro682Leu (NM_001350748.2, NM_001350749.2); c.1958C>T, p.Pro653Leu (NM_001350750.2, NM_001350751.2); short protein forms P653L, P682L.
Identifiers: ClinVar variation 2505464 (VCV002505464.4), dbSNP rs750654029, ClinGen allele CA7035994.

ClinVar aggregate classification (germline): Uncertain significance. Review status: criteria provided, multiple submitters, no conflicts (2 of 4 stars). 2 submissions from 2 submitters: Uncertain significance (2). Last evaluated 2024-01-22.

Conditions:
Hypotonia, infantile, with psychomotor retardation and characteristic facies 1 (INNFD). Identifiers: Orphanet 371364, Orphanet 700336, MedGen C3809454, MONDO:0024567, OMIM 615419.

Allele frequency attached by ClinVar (database versions not stated): ExAC 0.00002; gnomAD 0.00002; gnomAD exomes below 0.00001; TOPMed below 0.00001.
gnomAD v4.1: 10 of 1,613,972 alleles (0.00062%); highest among the groups gnomAD compares: Admixed American, 0.0033%; no homozygotes.

Submissions (2):

Labcorp Genetics (formerly Invitae), Labcorp
Classification: Uncertain significance. Last evaluated: 2024-01-22. Review status: criteria provided, single submitter. Criteria: Invitae Variant Classification Sherloc (09022015). Collection method: clinical testing. Allele origin: germline.
Comment: This sequence change replaces proline, which is neutral and non-polar, with leucine, which is neutral and non-polar, at codon 682 of the NALCN protein (p.Pro682Leu). This variant is present in population databases (rs750654029, gnomAD 0.002%). This variant has not been reported in the literature in individuals affected with NALCN-related conditions. ClinVar contains an entry for this variant (Variation ID: 2505464). Advanced modeling of protein sequence and biophysical properties (such as structural, functional, and spatial information, amino acid conservation, physicochemical variation, residue mobility, and thermodynamic stability) performed at Invitae indicates that this missense variant is not expected to disrupt NALCN protein function with a negative predictive value of 80%. In summary, the available evidence is currently insufficient to determine the role of this variant in disease. Therefore, it has been classified as a Variant of Uncertain Significance.

Department of Human Genetics, Hannover Medical School
Classification: Uncertain significance for Hypotonia, infantile, with psychomotor retardation and characteristic facies 1. Last evaluated: 2023-06-16. Review status: criteria provided, single submitter. Criteria: ACMG Guidelines, 2015. Collection method: clinical testing. Allele origin: germline. Affected: yes.